The following is an entry in ClinVar:

NM_001003722.2(GLE1):c.224C>G (p.Ser75Ter)

Gene: GLE1 (GLE1 RNA export mediator; plus strand). Cytogenetic location: 9q34.11.
Variant type: single nucleotide variant.
Coding change: c.224C>G on transcript NM_001003722.2 (MANE Select); coding-DNA position 224, C replaced by G.
Protein change: p.Ser75Ter; replaces serine 75 with a stop codon.
Molecular consequence: nonsense.
Genome position (GRCh38, 1-based): chr9:128,509,000, C>G. VCF-style: chr9-128509000-C-G. GRCh37 (hg19) VCF-style: chr9-131271279-C-G.
Other names: c.224C>G, p.Ser75Ter (NM_001411013.1, NM_001499.2); short protein forms S75*.
Identifiers: ClinVar variation 4813419 (VCV004813419.1).

ClinVar aggregate classification (germline): Likely pathogenic (1 of 4 stars; one submission).

Conditions:
Lethal arthrogryposis-anterior horn cell disease syndrome (CAAHD). Also called: CONGENITAL ARTHROGRYPOSIS WITH ANTERIOR HORN CELL DISEASE. Identifiers: Orphanet 53696, MedGen C5193016, MONDO:0012750, OMIM 611890.

Submission:

MVZ Praenatalmedizin und Genetik Nuernberg
Classification: Likely pathogenic for Lethal arthrogryposis-anterior horn cell disease syndrome. Last evaluated: 2023-02-02. Review status: criteria provided, single submitter. Criteria: ACMG Guidelines, 2015. Collection method: clinical testing. Allele origin: maternal. Affected: yes.
Comment: There was a slight suspected prefrontal skin edema. Club hand and club foot were seen on both sides. The variant has not yet been reported in the ClinVar database, but it results in a premature stop codon in exon 2 and can therefore be considered likely pathogenic due to loss-of-function.